The following is an entry in ClinVar:

ClinVar aggregate classification (germline): Likely benign (0 of 4 stars; one submission).

Conditions:
IKZF1-related disorder. Also called: IKZF1-related condition.

Allele frequency attached by ClinVar (database versions not stated): gnomAD exomes below 0.00001.
gnomAD v4.1: 2 of 1,613,984 alleles (0.00012%); highest among the groups gnomAD compares: Non-Finnish European, 0.00017%; no homozygotes.

Submission:

PreventionGenetics, part of Exact Sciences
Classification: Likely benign for IKZF1-related condition. Last evaluated: 2023-10-11. Review status: no assertion criteria provided. Collection method: clinical testing. Allele origin: germline.
Comment: This variant is classified as likely benign based on ACMG/AMP sequence variant interpretation guidelines (Richards et al. 2015 PMID: 25741868, with internal and published modifications).

NM_006060.6(IKZF1):c.345A>C (p.Gly115=)

Gene: IKZF1 (IKAROS family zinc finger 1; plus strand). Cytogenetic location: 7p12.2.
Variant type: single nucleotide variant.
Coding change: c.345A>C on transcript NM_006060.6 (MANE Select); coding-DNA position 345, A replaced by C.
Protein change: p.Gly115=; no amino-acid change (glycine 115 retained).
Molecular consequence: synonymous variant. On other transcripts: intron variant (9).
Genome position (GRCh38, 1-based): chr7:50,376,717, A>C. VCF-style: chr7-50376717-A-C. GRCh37 (hg19) VCF-style: chr7-50444415-A-C.
Other names: c.345A>C, p.Gly115= (NM_001220765.3, NM_001220768.2, NM_001220771.2 and 1 more transcripts); c.405A>C, p.Gly135= (NM_001410879.1); c.161-5823A>C (NM_001291839.2, NM_001291838.2, NM_001220767.2 and 1 more transcripts); c.161-10628A>C (NM_001291841.1, NM_001291842.1); c.161-15012A>C (NM_001291843.1, NM_001291844.1); c.161-23201A>C (NM_001291840.1).
Identifiers: ClinVar variation 3028933 (VCV003028933.2), dbSNP rs2538104155, ClinGen allele CA455160880.
Genomic context (GRCh38, chr7:50,376,717, plus strand): 5'-CCACAGGGACCAAGGCAGCTCGGCTTTGTCGGGAGTTGGAGGCATTCGACTTCCTAACGG[A>C]AAACTAAAGTGTGATATCTGTGGGATCATTTGCATCGGGCCCAATGTGCTCATGGTTCAC-3'
Protein context (NP_006051.1, residues 105-125): SGVGGIRLPN[Gly115=]KLKCDICGII